The following is an entry in ClinVar:

ClinVar aggregate classification (germline): Likely benign. Review status: criteria provided, multiple submitters, no conflicts (2 of 4 stars). 2 submissions from 2 submitters: Likely benign (2). Last evaluated 2026-01-05.

Conditions:
Hypercholesterolemia, autosomal dominant, 3 (FHCL3). Also called: Familial Hypercholesterolemia, Autosomal Dominant, 3; PCSK9-Related Familial Hypercholesterolemia, Autosomal Dominant; Familial hypercholesterolemia 3. Identifiers: MedGen C1863551, MONDO:0011369, OMIM 603776.

Allele frequency attached by ClinVar (database versions not stated): gnomAD 0.00002; gnomAD exomes 0.00002; ExAC 0.00003; TOPMed 0.00013.
gnomAD v4.1: 30 of 1,575,760 alleles (0.0019%); highest among the groups gnomAD compares: Admixed American, 0.017%; no homozygotes.

Submissions (2):

Labcorp Genetics (formerly Invitae), Labcorp
Classification: Likely benign for Hypercholesterolemia, autosomal dominant, 3. Last evaluated: 2026-01-05. Review status: criteria provided, single submitter. Criteria: Invitae Variant Classification Sherloc (09022015). Collection method: clinical testing. Allele origin: germline.

Women's Health and Genetics/Laboratory Corporation of America, LabCorp
Classification: Likely benign. Last evaluated: 2025-01-28. Review status: criteria provided, single submitter. Criteria: LabCorp Variant Classification Summary - May 2015. Collection method: clinical testing. Allele origin: germline.
Comment: Variant summary: PCSK9 c.1863+20C>T alters a non-conserved nucleotide located at a position not widely known to affect splicing. Consensus agreement among computation tools predict no significant impact on normal splicing. However, these predictions have yet to be confirmed by functional studies. The variant allele was found at a frequency of 2.2e-05 in 183036 control chromosomes. The available data on variant occurrences in the general population are insufficient to allow any conclusion about variant significance. To our knowledge, no occurrence of c.1863+20C>T in individuals affected with Familial Hypercholesterolemia and no experimental evidence demonstrating its impact on protein function have been reported. ClinVar contains an entry for this variant (Variation ID: 1550508). Based on the evidence outlined above, the variant was classified as likely benign.

NM_174936.4(PCSK9):c.1863+20C>T

Gene: PCSK9 (proprotein convertase subtilisin/kexin type 9; plus strand). Cytogenetic location: 1p32.3.
Variant type: single nucleotide variant.
Coding change: c.1863+20C>T on transcript NM_174936.4 (MANE Select); 20 bases into the intron after coding-DNA position 1863, C replaced by T.
Molecular consequence: intron variant.
Genome position (GRCh38, 1-based): chr1:55,061,576, C>T. VCF-style: chr1-55061576-C-T. GRCh37 (hg19) VCF-style: chr1-55527249-C-T.
Identifiers: ClinVar variation 1550508 (VCV001550508.10), dbSNP rs760064829, ClinGen allele CA039200.